The following is an entry in ClinVar:

NM_002715.4(PPP2CA):c.705G>A (p.Thr235=)

Gene: PPP2CA (protein phosphatase 2 catalytic subunit alpha; minus strand). Cytogenetic location: 5q31.1.
Variant type: single nucleotide variant.
Coding change: c.705G>A on transcript NM_002715.4 (MANE Select); coding-DNA position 705, G replaced by A.
Protein change: p.Thr235=; no amino-acid change (threonine 235 retained).
Molecular consequence: synonymous variant. On other transcripts: non-coding transcript variant (1).
Genome position (GRCh38, 1-based): chr5:134,200,368, C>T on the plus strand (G>A on the coding strand, the complement: PPP2CA is on the minus strand). VCF-style: chr5-134200368-C-T. GRCh37 (hg19) VCF-style: chr5-133536059-C-T.
Other names: c.510G>A, p.Thr170= (NM_001355019.2).
Identifiers: ClinVar variation 1669028 (VCV001669028.10), dbSNP rs369531838, ClinGen allele CA3412783.

ClinVar aggregate classification (germline): Likely benign. Review status: criteria provided, multiple submitters, no conflicts (2 of 4 stars). 2 submissions from 2 submitters: Likely benign (2). Last evaluated 2026-05-01.

Allele frequency attached by ClinVar (database versions not stated): gnomAD exomes 0.00004 and 0.00006; gnomAD 0.00005 and 0.00006; TOPMed 0.00006; ESP Exome Variant Server 0.00008; ExAC 0.00009; 1000 Genomes Project 30x 0.00047; 1000 Genomes Project 0.00060.
gnomAD v4.1: 69 of 1,614,138 alleles (0.0043%); highest among the groups gnomAD compares: East Asian, 0.018%; no homozygotes.

Submissions (2):

CeGaT Center for Human Genetics Tuebingen
Classification: Likely benign. Last evaluated: 2026-05-01. Review status: criteria provided, single submitter. Criteria: CeGaT Center For Human Genetics Tuebingen Variant Classification Criteria Version 2. Collection method: clinical testing. Allele origin: germline. Affected: yes. Observed: 1 variant allele.
Comment: PPP2CA: BP4, BP7

Labcorp Genetics (formerly Invitae), Labcorp
Classification: Likely benign. Last evaluated: 2025-08-20. Review status: criteria provided, single submitter. Criteria: Invitae Variant Classification Sherloc (09022015). Collection method: clinical testing. Allele origin: germline.